The following is an entry in ClinVar:

ClinVar aggregate classification (germline): Conflicting classifications of pathogenicity. Review status: criteria provided, conflicting classifications (1 of 4 stars). 6 submissions from 6 submitters: Uncertain significance (3); Likely benign (1). 2 of the submissions do not count toward it. Last evaluated 2026-03-06.

Conditions:
Alport syndrome. Also called: Hemorrhagic familial nephritis; Hemorrhagic hereditary nephritis; Congenital hereditary hematuria. Identifiers: Orphanet 63, MedGen C1567741, MONDO:0018965.
Autosomal dominant Alport syndrome (ATS3A). Also called: Alport syndrome dominant type; Renal failure and sensorineural hearing loss; ALPORT SYNDROME 3A, AUTOSOMAL DOMINANT. Identifiers: Orphanet 63, Orphanet 88918, MedGen C5882663, MONDO:0007086, OMIM 104200.
COL4A3-related disorder. Also called: COL4A3-Related Disorders; COL4A3-related condition.

Allele frequency attached by ClinVar (database versions not stated): TOPMed 0.00013; gnomAD 0.00025; ESP Exome Variant Server 0.00042.
gnomAD v4.1: 396 of 1,613,056 alleles (0.025%); highest among the groups gnomAD compares: Non-Finnish European, 0.029%; no homozygotes.

Submissions (6):

PreventionGenetics, part of Exact Sciences
Classification: Uncertain significance for COL4A3-related condition. Last evaluated: 2026-03-06. Review status: criteria provided, single submitter. Criteria: ACMG Guidelines, 2015. Collection method: clinical testing. Allele origin: germline.
Comment: The COL4A3 c.3182G>A variant is predicted to result in the amino acid substitution p.Gly1061Asp. This variant was reported in the heterozygous state in an individual with Alport syndrome (Table 2, Yavaş et al. 2022. PubMed ID: 36134775; Table 2, Yavas et al. 2023. PubMed ID: 38357258). This variant is reported in 0.068% of alleles in individuals of European (Finnish) descent in gnomAD, which may be too high for a variant causative for an autosomal dominant disorder. The p.Gly1061 residue is located in the conserved triple helical domain, where substitutions of the glycine are usually pathogenic (UniProt residues 43-1438, Hudson et al. 1993. PubMed ID: 8253711; Nozu et al. 2001. [Update 2025]. PubMed ID: 20301386). However, this particular glycine repeat unit does not follow the typical [Gly-X-Y] motif, having three instead of two non-glycine residues on both sides. At this time, the clinical significance of this variant is uncertain due to the absence of conclusive functional and genetic evidence.

Labcorp Genetics (formerly Invitae), Labcorp
Classification: Likely benign. Last evaluated: 2026-01-25. Review status: criteria provided, single submitter. Criteria: Invitae Variant Classification Sherloc (09022015). Collection method: clinical testing. Allele origin: germline.

GeneDx
Classification: Uncertain significance. Last evaluated: 2024-04-24. Review status: criteria provided, single submitter. Criteria: GeneDx Variant Classification Process June 2021. Collection method: clinical testing. Allele origin: germline. Affected: yes.
Comment: Identified in a patient with renal failure in published literature, however, additional clinical information was not provided (PMID: 38357258); In silico analysis supports that this missense variant does not alter protein structure/function; Occurs in the triple helical domain within an interruption of the canonical Gly-X-Y repeat; This variant is associated with the following publications: (PMID: 38357258, 36134775)

Illumina Laboratory Services, Illumina
Classification: Uncertain significance for Alport syndrome. Last evaluated: 2018-01-13. Review status: criteria provided, single submitter. Criteria: ICSL Variant Classification Criteria 13 December 2019. Collection method: clinical testing. Allele origin: germline.

Natera, Inc.
Classification: Uncertain significance for Alport syndrome. Last evaluated: 2020-11-04. Review status: no assertion criteria provided. Collection method: clinical testing. Allele origin: germline. Not counted in ClinVar's aggregate classification.

Bioscientia Institut fuer Medizinische Diagnostik GmbH, Sonic Healthcare
Classification: Uncertain significance for Autosomal dominant Alport syndrome. Last evaluated: 2019-11-25. Review status: no assertion criteria provided. Collection method: clinical testing. Allele origin: germline. Affected: yes. Not counted in ClinVar's aggregate classification.

NM_000091.5(COL4A3):c.3182G>A (p.Gly1061Asp)

Genes: COL4A3 (collagen type IV alpha 3 chain; plus strand), MFF-DT (MFF divergent transcript; minus strand). Cytogenetic location: 2q36.3.
Variant type: single nucleotide variant.
Coding change: c.3182G>A on transcript NM_000091.5 (MANE Select); coding-DNA position 3182, G replaced by A.
Protein change: p.Gly1061Asp; replaces glycine 1061 with aspartic acid.
Molecular consequence: missense variant.
Genome position (GRCh38, 1-based): chr2:227,290,858, G>A. VCF-style: chr2-227290858-G-A. GRCh37 (hg19) VCF-style: chr2-228155574-G-A.
Other names: short protein forms G1061D.
Identifiers: ClinVar variation 829983 (VCV000829983.19), dbSNP rs202078295, ClinGen allele CA2147123.
Genomic context (GRCh38, chr2:227,290,858, plus strand): 5'-CAGGCCTCCCAGGTATTCATGGTCTCCAGGGAGATAAGGGAGAGCCAGGTTATTCAGAAG[G>A]TACAAGGCCAGGACCACCGGGACCAACGGTATATAGGCCACTGAAATATTTACATTTTAG-3'
Protein context (NP_000082.2, residues 1051-1071): GDKGEPGYSE[Gly1061Asp]TRPGPPGPTG